The following is an entry in ClinVar:

NM_003482.4(KMT2D):c.12112A>G (p.Thr4038Ala)

Gene: KMT2D (lysine methyltransferase 2D; minus strand). Cytogenetic location: 12q13.12.
Variant type: single nucleotide variant.
Coding change: c.12112A>G on transcript NM_003482.4 (MANE Select); coding-DNA position 12112, A replaced by G.
Protein change: p.Thr4038Ala; replaces threonine 4038 with alanine.
Molecular consequence: missense variant.
Genome position (GRCh38, 1-based): chr12:49,032,593, T>C on the plus strand (A>G on the coding strand, the complement: KMT2D is on the minus strand). VCF-style: chr12-49032593-T-C. GRCh37 (hg19) VCF-style: chr12-49426376-T-C.
Other names: short protein forms T4038A.
Identifiers: ClinVar variation 3610757 (VCV003610757.3).

ClinVar aggregate classification (germline): Uncertain significance. Review status: criteria provided, multiple submitters, no conflicts (2 of 4 stars). 2 submissions from 2 submitters: Uncertain significance (2). Last evaluated 2024-09-06.

Conditions:
Kabuki syndrome. Also called: Kabuki make-up syndrome; NIIKAWA-KUROKI SYNDROME. Identifiers: Orphanet 2322, MedGen C0796004, MONDO:0016512.

Submissions (2):

Labcorp Genetics (formerly Invitae), Labcorp
Classification: Uncertain significance for Kabuki syndrome. Last evaluated: 2024-09-06. Review status: criteria provided, single submitter. Criteria: Invitae Variant Classification Sherloc (09022015). Collection method: clinical testing. Allele origin: germline.
Comment: This sequence change replaces threonine, which is neutral and polar, with alanine, which is neutral and non-polar, at codon 4038 of the KMT2D protein (p.Thr4038Ala). This variant is not present in population databases (gnomAD no frequency). This variant has not been reported in the literature in individuals affected with KMT2D-related conditions. Invitae Evidence Modeling of protein sequence and biophysical properties (such as structural, functional, and spatial information, amino acid conservation, physicochemical variation, residue mobility, and thermodynamic stability) indicates that this missense variant is not expected to disrupt KMT2D protein function with a negative predictive value of 95%. In summary, the available evidence is currently insufficient to determine the role of this variant in disease. Therefore, it has been classified as a Variant of Uncertain Significance.

Blueprint Genetics
Classification: Uncertain significance. Last evaluated: 2022-07-12. Review status: criteria provided, single submitter. Criteria: ACMG Guidelines, 2015. Collection method: clinical testing. Allele origin: germline.